The following is an entry in ClinVar:

NM_004004.6(GJB2):c.236T>A (p.Leu79Gln)

Gene: GJB2 (gap junction protein beta 2; minus strand). Cytogenetic location: 13q12.11.
Variant type: single nucleotide variant.
Coding change: c.236T>A on transcript NM_004004.6 (MANE Select); coding-DNA position 236, T replaced by A.
Protein change: p.Leu79Gln; replaces leucine 79 with glutamine.
Molecular consequence: missense variant.
Genome position (GRCh38, 1-based): chr13:20,189,346, A>T on the plus strand (T>A on the coding strand, the complement: GJB2 is on the minus strand). VCF-style: chr13-20189346-A-T. GRCh37 (hg19) VCF-style: chr13-20763485-A-T.
Other names: short protein forms L79Q.
Identifiers: ClinVar variation 3601145 (VCV003601145.1).

ClinVar aggregate classification (germline): Likely pathogenic (1 of 4 stars; one submission).

Conditions:
Autosomal recessive nonsyndromic hearing loss 1A (DFNB1A). Also called: GJB6-Related DFNB 1 Nonsyndromic Hearing Loss and Deafness; Nonsyndromic Hearing Loss and Deafness, DFNB1; GJB2-Related Autosomal Recessive Nonsyndromic Hearing Loss; Deafness, autosomal recessive 1A; Connexin 26 deafness; Deafness nonsyndromic, Connexin 26 linked. Identifiers: Orphanet 90636, MedGen C2673759, MONDO:0009076, OMIM 220290.

Submission:

Institute of Rare Diseases, West China Hospital, Sichuan University
Classification: Likely pathogenic for Autosomal recessive nonsyndromic hearing loss 1A. Last evaluated: 2025-01-09. Review status: criteria provided, single submitter. Criteria: ClinGen HL ACMG Specifications v1. Collection method: research. Allele origin: germline. Affected: yes.
Comment: PM3;PM5;PM2_Supporting;PP3